The following is an entry in ClinVar:

NM_033064.5(ATCAY):c.*2586A>G

Gene: ATCAY (ATCAY kinesin light chain interacting caytaxin; plus strand). Cytogenetic location: 19p13.3.
Variant type: single nucleotide variant.
Coding change: c.*2586A>G on transcript NM_033064.5 (MANE Select); 2586 bases downstream of the stop codon, A replaced by G.
Molecular consequence: 3 prime UTR variant.
Genome position (GRCh38, 1-based): chr19:3,927,178, A>G. VCF-style: chr19-3927178-A-G. GRCh37 (hg19) VCF-style: chr19-3927176-A-G.
Identifiers: ClinVar variation 329196 (VCV000329196.6), dbSNP rs8104659, ClinGen allele CA10642801.

ClinVar aggregate classification (germline): Benign. Review status: criteria provided, multiple submitters, no conflicts (2 of 4 stars). 2 submissions from 2 submitters: Benign (2). Last evaluated 2018-01-13.

Conditions:
Cayman type cerebellar ataxia. Also called: Cayman ataxia. Identifiers: Orphanet 94122, MedGen C1832585, MONDO:0011025, OMIM 601238.

Allele frequency attached by ClinVar (database versions not stated): gnomAD 0.72881 and 0.73340; TOPMed 0.74651; 1000 Genomes Project 0.83287; 1000 Genomes Project 30x 0.83432.

Submissions (2):

Illumina Laboratory Services, Illumina
Classification: Benign for Cayman type cerebellar ataxia. Last evaluated: 2018-01-13. Review status: criteria provided, single submitter. Criteria: ICSL Variant Classification Criteria 13 December 2019. Collection method: clinical testing. Allele origin: germline.
Comment: This variant was observed in the ICSL laboratory as part of a predisposition screen in an ostensibly healthy population. It had not been previously curated by ICSL or reported in the Human Gene Mutation Database (HGMD: prior to June 1st, 2018), and was therefore a candidate for classification through an automated scoring system. Utilizing variant allele frequency, disease prevalence and penetrance estimates, and inheritance mode, an automated score was calculated to assess if this variant is too frequent to cause the disease. Based on the score and internal cut-off values, a variant classified as benign is not then subjected to further curation. The score for this variant resulted in a classification of benign for this disease.

Breakthrough Genomics
Classification: Benign. Review status: criteria provided, single submitter. Criteria: ACMG Guidelines, 2015. Collection method: not provided. Allele origin: germline. Inheritance: Autosomal recessive inheritance. Affected: yes.